The following is an entry in ClinVar:

ClinVar aggregate classification (germline): Pathogenic. Review status: criteria provided, multiple submitters, no conflicts (2 of 4 stars). 3 submissions from 3 submitters: Pathogenic (3). Last evaluated 2025-01-08.

Conditions:
Dias-Logan syndrome. Also called: INTELLECTUAL DEVELOPMENTAL DISORDER WITH HEREDITARY PERSISTENCE OF FETAL HEMOGLOBIN; Intellectual developmental disorder with persistence of fetal hemoglobin. Identifiers: Orphanet 619233, MedGen C4310833, MONDO:0014914, OMIM 617101.
Inborn genetic diseases. Identifiers: MedGen C0950123, MeSH D030342.

Submissions (3):

Institute of Human Genetics, Clinical Exome/Genome Diagnostics Group, University Hospital Bonn
Classification: Pathogenic for Dias-Logan syndrome. Last evaluated: 2025-01-08. Review status: criteria provided, single submitter. Criteria: ACMG Guidelines, 2015. Collection method: clinical testing. Allele origin: de novo. Inheritance: Autosomal dominant inheritance. Observed: 1 heterozygote.
Comment: PVS1_strong, PS2_strong

Ambry Genetics
Classification: Pathogenic for Inborn genetic diseases. Last evaluated: 2024-08-30. Review status: criteria provided, single submitter. Criteria: Ambry Variant Classification Scheme 2023. Collection method: clinical testing. Allele origin: germline.
Comment: The c.793dupC (p.L265Pfs*3) alteration, located in exon 4 (coding exon 4) of the BCL11A gene, consists of a duplication of C at position 793, causing a translational frameshift with a predicted alternate stop codon after 3 amino acids. This alteration is expected to result in loss of function by premature protein truncation or nonsense-mediated mRNA decay. This variant was flagged as a low confidence call in the Genome Aggregation Database (gnomAD). This variant was reported de novo in an individual with features consistent with BCL11A-related neurodevelopmental disorder (Iossifov, 2012; O'Roak, 2014). Based on the available evidence, this alteration is classified as pathogenic.

GeneDx
Classification: Pathogenic. Last evaluated: 2018-03-23. Review status: criteria provided, single submitter. Criteria: GeneDx Variant Classification (06012015). Collection method: clinical testing. Allele origin: germline. Affected: yes.
Comment: The c.793dupC pathogenic variant in the BCL11A gene has been reported previously in an individual with autism spectrum disorder (Iossifov et al., 2012). The c.793dupC variant causes a frameshift starting with codon Leucine 265, changes this amino acid to a Proline residue, and creates a premature Stop codon at position 3 of the new reading frame, denoted p.Leu265ProfsX3. This variant is predicted to cause loss of normal protein function through protein truncation as the last 571 amino acids are lost and replaced with 2 incorrect amino acids. This variant is not observed in large population cohorts (Lek et al., 2016).

Literature cited by the submitters: PubMed 22542183 (cited by Ambry Genetics); PubMed 25418537 (cited by Ambry Genetics).

NM_022893.4(BCL11A):c.793dup (p.Leu265fs)

Gene: BCL11A (BCL11 transcription factor A; minus strand). Cytogenetic location: 2p16.1.
Variant type: Duplication.
Coding change: c.793dup on transcript NM_022893.4 (MANE Select); coding-DNA position 793, one base duplicated (C; older notation c.793dupC).
Protein change: p.Leu265fs; shifts the reading frame from leucine 265.
Molecular consequence: frameshift variant. On other transcripts: intron variant (1).
Genome position (GRCh38, 1-based): chr2:60,462,119, G duplicated on the plus strand (C on the coding strand, the reverse complement: BCL11A is on the minus strand); the first of 7 consecutive G bases (chr2:60,462,119-60,462,125); duplicating any one gives the same sequence. VCF-style (leftmost placement, unchanged base first): chr2-60462118-A-AG. GRCh37 (hg19) VCF-style: chr2-60689253-A-AG.
Other names: c.691dup, p.Leu231fs (NM_001363864.1, NM_001365609.1); c.793dup, p.Leu265fs (NM_018014.4); c.630+157dup (NM_138559.2); short protein forms L265fs, L231fs.
Identifiers: ClinVar variation 420316 (VCV000420316.4), dbSNP rs761909641, ClinGen allele CA1671200.
Genomic context (GRCh38, chr2:60,462,118, plus strand): 5'-TCCGCCCCCAGGCGCTCTATGCGGTGGGGGTCCAAGTGATGTCTCGGTGGTGGACTAAAC[A>AG]GGGGGGGAGTGGGTGGAAAGCGCCCTTCTGCCAGGCCGGAAGCCTCTCTCGATACTGATC-3'